The following is an entry in ClinVar:

ClinVar aggregate classification (germline): Uncertain significance (1 of 4 stars; one submission).

Submission:

GeneDx
Classification: Uncertain significance. Last evaluated: 2026-04-22. Review status: criteria provided, single submitter. Criteria: GeneDx Variant Classification Process June 2021. Collection method: clinical testing. Allele origin: germline.
Comment: Occurs in the triple helical domain at the Y position in the canonical Gly-X-Y repeat; although this variant may have an effect on normal protein folding and function, missense substitution at the Y position is not a common mechanism of disease (PMID: 22696272; HGMD); Not observed at significant frequency in large population cohorts (gnomAD); In silico analysis supports that this missense variant has a deleterious effect on protein structure/function; Has not been previously published as pathogenic or benign to our knowledge; This variant is associated with the following publications: (PMID: 22696272)

NM_000093.5(COL5A1):c.3581C>T (p.Ser1194Phe)

Gene: COL5A1 (collagen type V alpha 1 chain; plus strand). Cytogenetic location: 9q34.3.
Variant type: single nucleotide variant.
Coding change: c.3581C>T on transcript NM_000093.5 (MANE Select); coding-DNA position 3581, C replaced by T.
Protein change: p.Ser1194Phe; replaces serine 1194 with phenylalanine.
Molecular consequence: missense variant.
Genome position (GRCh38, 1-based): chr9:134,811,391, C>T. VCF-style: chr9-134811391-C-T. GRCh37 (hg19) VCF-style: chr9-137703237-C-T.
Other names: c.3581C>T, p.Ser1194Phe (NM_001278074.1); short protein forms S1194F.
Identifiers: ClinVar variation 5037306 (VCV005037306.1).